The following is an entry in ClinVar:

NM_002890.3(RASA1):c.1466G>A (p.Arg489His)

Genes: CCNH (cyclin H; minus strand), RASA1 (RAS p21 protein activator 1; plus strand). Cytogenetic location: 5q14.3.
Variant type: single nucleotide variant.
Coding change: c.1466G>A on transcript NM_002890.3 (MANE Select); coding-DNA position 1466, G replaced by A.
Protein change: p.Arg489His; replaces arginine 489 with histidine.
Molecular consequence: missense variant. On other transcripts: intron variant (1).
Genome position (GRCh38, 1-based): chr5:87,363,360, G>A. VCF-style: chr5-87363360-G-A. GRCh37 (hg19) VCF-style: chr5-86659177-G-A.
Other names: c.935G>A, p.Arg312His (NM_022650.3); c.933+31684C>T (NM_001364075.2); short protein forms R312H, R489H.
Identifiers: ClinVar variation 4825479 (VCV004825479.1).
Genomic context (GRCh38, chr5:87,363,360, plus strand): 5'-ATTTCACAATTGTTTGGCTAAGAGAAAACAATTTTTTTTTTTAAACAGGCAAAGGAAAAC[G>A]TTGGAAAAATTTATATTTTATCTTAGAGGGTAGTGATGCCCAACTTATTTATTTTGAAAG-3'
Protein context (NP_002881.1, residues 479-499): GYLLKKGKGK[Arg489His]WKNLYFILEG

ClinVar aggregate classification (germline): Uncertain significance (1 of 4 stars; one submission).

Conditions:
Cardiovascular phenotype. Identifiers: MedGen CN230736.

Submission:

Ambry Genetics
Classification: Uncertain significance for Cardiovascular phenotype. Last evaluated: 2026-02-13. Review status: criteria provided, single submitter. Criteria: Ambry Variant Classification Scheme 2023. Collection method: clinical testing. Allele origin: germline.
Comment: The p.R489H variant (also known as c.1466G>A), located in coding exon 11 of the RASA1 gene, results from a G to A substitution at nucleotide position 1466. The arginine at codon 489 is replaced by histidine, an amino acid with highly similar properties. This amino acid position is highly conserved in available vertebrate species. In addition, this alteration is predicted to be deleterious by in silico analysis. Based on the available evidence, the clinical significance of this variant remains unclear.